The following is an entry in ClinVar:

ClinVar aggregate classification (germline): Uncertain significance (0 of 4 stars; one submission).

Conditions:
SCAPER-related disorder. Also called: SCAPER-related condition.

gnomAD v4.1: 1 of 1,610,910 alleles (0.000062%); highest among the groups gnomAD compares: Non-Finnish European, 0.000085%; no homozygotes.

Submission:

PreventionGenetics, part of Exact Sciences
Classification: Uncertain significance for SCAPER-related condition. Last evaluated: 2024-08-15. Review status: no assertion criteria provided. Collection method: clinical testing. Allele origin: germline.
Comment: The SCAPER c.2864C>T variant is predicted to result in the amino acid substitution p.Ala955Val. To our knowledge, this variant has not been reported in the literature. This variant is reported in 0.0065% of alleles in individuals of European (Non-Finnish) descent in gnomAD. At this time, the clinical significance of this variant is uncertain due to the absence of conclusive functional and genetic evidence.

NM_020843.4(SCAPER):c.2846C>T (p.Ala949Val)

Gene: SCAPER (S-phase cyclin A associated protein in the ER; minus strand). Cytogenetic location: 15q24.3.
Variant type: single nucleotide variant.
Coding change: c.2846C>T on transcript NM_020843.4 (MANE Select); coding-DNA position 2846, C replaced by T.
Protein change: p.Ala949Val; replaces alanine 949 with valine.
Molecular consequence: missense variant. On other transcripts: non-coding transcript variant (1).
Genome position (GRCh38, 1-based): chr15:76,504,967, G>A on the plus strand (C>T on the coding strand, the complement: SCAPER is on the minus strand). VCF-style: chr15-76504967-G-A. GRCh37 (hg19) VCF-style: chr15-76797308-G-A.
Other names: c.2108C>T, p.Ala703Val (NM_001145923.2); c.2864C>T, p.Ala955Val (NM_001353009.2); c.2444C>T, p.Ala815Val (NM_001353010.2, NM_001353012.2); c.2462C>T, p.Ala821Val (NM_001353011.2); short protein forms A703V, A815V, A821V, A949V, A955V.
Identifiers: ClinVar variation 3344358 (VCV003344358.1).